The following is an entry in ClinVar:

ClinVar aggregate classification (germline): Uncertain significance (1 of 4 stars; one submission).

Submission:

Labcorp Genetics (formerly Invitae), Labcorp
Classification: Uncertain significance. Last evaluated: 2022-06-08. Review status: criteria provided, single submitter. Criteria: Invitae Variant Classification Sherloc (09022015). Collection method: clinical testing. Allele origin: germline.
Comment: This variant is not present in population databases (gnomAD no frequency). This variant has not been reported in the literature in individuals affected with POLE-related conditions. Variants that disrupt the consensus splice site are a relatively common cause of aberrant splicing (PMID: 17576681, 9536098). Algorithms developed to predict the effect of sequence changes on RNA splicing suggest that this variant is not likely to affect RNA splicing. In summary, the available evidence is currently insufficient to determine the role of this variant in disease. Therefore, it has been classified as a Variant of Uncertain Significance. This sequence change falls in intron 8 of the POLE gene. It does not directly change the encoded amino acid sequence of the POLE protein. It affects a nucleotide within the consensus splice site.

Literature cited by the submitters: PubMed 17576681; PubMed 9536098.

NM_006231.4(POLE):c.801+6T>C

Gene: POLE (DNA polymerase epsilon, catalytic subunit; minus strand). Cytogenetic location: 12q24.33.
Variant type: single nucleotide variant.
Coding change: c.801+6T>C on transcript NM_006231.4 (MANE Select); 6 bases into the intron after coding-DNA position 801, T replaced by C.
Molecular consequence: intron variant.
Genome position (GRCh38, 1-based): chr12:132,677,357, A>G on the plus strand (T>C on the coding strand, the complement: POLE is on the minus strand). VCF-style: chr12-132677357-A-G. GRCh37 (hg19) VCF-style: chr12-133253943-A-G.
Identifiers: ClinVar variation 1907276 (VCV001907276.5), dbSNP rs2542176263, ClinGen allele CA2580086173.